The following is an entry in ClinVar:

NM_000093.5(COL5A1):c.2777T>C (p.Ile926Thr)

Gene: COL5A1 (collagen type V alpha 1 chain; plus strand). Cytogenetic location: 9q34.3.
Variant type: single nucleotide variant.
Coding change: c.2777T>C on transcript NM_000093.5 (MANE Select); coding-DNA position 2777, T replaced by C.
Protein change: p.Ile926Thr; replaces isoleucine 926 with threonine.
Molecular consequence: missense variant.
Genome position (GRCh38, 1-based): chr9:134,795,293, T>C. VCF-style: chr9-134795293-T-C. GRCh37 (hg19) VCF-style: chr9-137687139-T-C.
Other names: c.2777T>C, p.Ile926Thr (NM_001278074.1); short protein forms I926T.
Identifiers: ClinVar variation 2744915 (VCV002744915.3), dbSNP rs2490762693, ClinGen allele CA375456635.

ClinVar aggregate classification (germline): Uncertain significance (1 of 4 stars; one submission).

Conditions:
Ehlers-Danlos syndrome, classic type, 1 (EDSCL1). Also called: EHLERS-DANLOS SYNDROME, GRAVIS TYPE; EHLERS-DANLOS SYNDROME, SEVERE CLASSIC TYPE; Ehlers-Danlos syndrome, type 1; Ehlers-Danlos Syndrome, Classic Type, COL5A1-Related; EDS I. Identifiers: MedGen C0268335, MONDO:0019567, OMIM 130000.

Submission:

Labcorp Genetics (formerly Invitae), Labcorp
Classification: Uncertain significance for Ehlers-Danlos syndrome, classic type, 1. Last evaluated: 2023-12-25. Review status: criteria provided, single submitter. Criteria: Invitae Variant Classification Sherloc (09022015). Collection method: clinical testing. Allele origin: germline.
Comment: This sequence change replaces isoleucine, which is neutral and non-polar, with threonine, which is neutral and polar, at codon 926 of the COL5A1 protein (p.Ile926Thr). This variant is not present in population databases (gnomAD no frequency). This variant has not been reported in the literature in individuals affected with COL5A1-related conditions. Advanced modeling of protein sequence and biophysical properties (such as structural, functional, and spatial information, amino acid conservation, physicochemical variation, residue mobility, and thermodynamic stability) performed at Invitae indicates that this missense variant is not expected to disrupt COL5A1 protein function with a negative predictive value of 95%. In summary, the available evidence is currently insufficient to determine the role of this variant in disease. Therefore, it has been classified as a Variant of Uncertain Significance.